The following is an entry in ClinVar:

NM_003000.3(SDHB):c.392del (p.Pro131fs)

Gene: SDHB (succinate dehydrogenase complex iron sulfur subunit B; minus strand). Cytogenetic location: 1p36.13.
Variant type: Deletion.
Coding change: c.392del on transcript NM_003000.3 (MANE Select); coding-DNA position 392, one base deleted (C; older notation c.392delC).
Protein change: p.Pro131fs; shifts the reading frame from proline 131.
Molecular consequence: frameshift variant.
Genome position (GRCh38, 1-based): chr1:17,028,631, G deleted on the plus strand (C on the coding strand, the reverse complement: SDHB is on the minus strand); the first of 2 consecutive G bases (chr1:17,028,631-17,028,632); deleting either gives the same sequence. VCF-style (leftmost placement, unchanged base first): chr1-17028630-TG-T. GRCh37 (hg19) VCF-style: chr1-17355125-TG-T.
Other names: short protein forms P131fs.
Identifiers: ClinVar variation 438416 (VCV000438416.8), dbSNP rs1553177739, ClinGen allele CA645509069.

ClinVar aggregate classification (germline): Pathogenic. Review status: criteria provided, single submitter (1 of 4 stars). 2 submissions from 2 submitters: Pathogenic (1). 1 of the submissions does not count toward it. Last evaluated 2024-11-12.

Conditions:
Hereditary pheochromocytoma and paraganglioma. Also called: Hereditary Paraganglioma-Pheochromocytoma Syndromes; Hereditary pheochromocytoma-paraganglioma; Hereditary paragangliomas and pheochromocytomas. Identifiers: Orphanet 29072, MedGen C4274332, MONDO:0017366.
Pheochromocytoma/paraganglioma syndrome 4. Also called: PARAGANGLIOMA, FAMILIAL MALIGNANT; PARAGANGLIOMAS, HEREDITARY EXTRAADRENAL; PHEOCHROMOCYTOMA, FAMILIAL EXTRAADRENAL; Paragangliomas 4; CAROTID BODY TUMORS AND MULTIPLE EXTRAADRENAL PHEOCHROMOCYTOMAS; SDHB-Related Hereditary Paraganglioma-Pheochromocytoma Syndrome (Paragangliomas 4). Identifiers: Orphanet 29072, MedGen C1861848, MONDO:0007273, OMIM 115310.
Gastrointestinal stromal tumor. Also called: Gastrointestinal stroma tumor; Gastrointestinal stromal tumor, somatic. Identifiers: Orphanet 44890, MedGen C0238198, MeSH D046152, MONDO:0011719, OMIM 606764, HP:0100723.
Pheochromocytoma. Also called: MAX-Related Hereditary Paraganglioma-Pheochromocytoma Syndrome. Identifiers: Orphanet 29072, MedGen C0031511, MONDO:0008233, OMIM 171300, HP:0002666.

Submissions (2):

Labcorp Genetics (formerly Invitae), Labcorp
Classification: Pathogenic for Gastrointestinal stromal tumor; Pheochromocytoma/paraganglioma syndrome 4; Pheochromocytoma. Last evaluated: 2024-11-12. Review status: criteria provided, single submitter. Criteria: Invitae Variant Classification Sherloc (09022015). Collection method: clinical testing. Allele origin: germline.
Comment: This sequence change creates a premature translational stop signal (p.Pro131Hisfs*5) in the SDHB gene. It is expected to result in an absent or disrupted protein product. Loss-of-function variants in SDHB are known to be pathogenic (PMID: 19454582, 19802898). This variant is not present in population databases (gnomAD no frequency). This premature translational stop signal has been observed in individual(s) with paraganglioma-pheochromocytoma syndrome (PMID: 15476441, 16317055, 16912137, 19454582, 24134185). ClinVar contains an entry for this variant (Variation ID: 438416). Algorithms developed to predict the effect of sequence changes on RNA splicing suggest that this variant may disrupt the consensus splice site. For these reasons, this variant has been classified as Pathogenic.

Section on Medical Neuroendocrinolgy, National Institutes of Health
Classification: Pathogenic for Hereditary pheochromocytoma and paraganglioma. Review status: no assertion criteria provided. Collection method: research. Allele origin: germline. Affected: yes. Not counted in ClinVar's aggregate classification.

Literature cited by the submitters: PubMed 19454582 (cited by Labcorp Genetics (formerly Invitae), Labcorp); PubMed 19802898 (cited by Labcorp Genetics (formerly Invitae), Labcorp); PubMed 15476441 (cited by Labcorp Genetics (formerly Invitae), Labcorp); PubMed 16317055 (cited by Labcorp Genetics (formerly Invitae), Labcorp); PubMed 16912137 (cited by Labcorp Genetics (formerly Invitae), Labcorp); PubMed 24134185 (cited by Labcorp Genetics (formerly Invitae), Labcorp).